The following is an entry in ClinVar:

ClinVar aggregate classification (germline): Likely benign. Review status: reviewed by expert panel (3 of 4 stars). 5 submissions from 5 submitters: Likely benign (1). 4 of the submissions do not count toward it. Last evaluated 2017-06-29.

Conditions:
Hereditary cancer-predisposing syndrome. Also called: Tumor predisposition; Hereditary Cancer Syndrome; Hereditary neoplastic syndrome; Neoplastic Syndromes, Hereditary. Identifiers: Orphanet 140162, MedGen C0027672, MeSH D009386, MONDO:0015356.
Hereditary breast ovarian cancer syndrome. Also called: Breast and ovarian cancer; BRCA1- and BRCA2-Associated Hereditary Breast and Ovarian Cancer; Hereditary breast and ovarian cancer; Hereditary breast and ovarian cancer syndrome (HBOC); Hereditary breast and ovarian cancer syndrome; Hereditary breast and/or ovarian cancer syndrome. Identifiers: Orphanet 145, MedGen C0677776, MeSH D061325, MONDO:0003582. Disease mechanism: loss of function.
Breast-ovarian cancer, familial, susceptibility to, 2 (BROVCA2). Also called: BRCA2 Hereditary Breast and Ovarian Cancer. Identifiers: Orphanet 145, MedGen C2675520, MONDO:0012933, OMIM 612555. Disease mechanism: loss of function.

Allele frequency attached by ClinVar (database versions not stated): gnomAD exomes below 0.00001.
gnomAD v4.1: 2 of 1,581,490 alleles (0.00013%); highest among the groups gnomAD compares: South Asian, 0.0011%; no homozygotes.

Submissions (5):

Evidence-based Network for the Interpretation of Germline Mutant Alleles (ENIGMA)
Classification: Likely benign for Breast-ovarian cancer, familial, susceptibility to, 2. Last evaluated: 2017-06-29. Review status: reviewed by expert panel. Criteria: ENIGMA BRCA1/2 Classification Criteria (2017-06-29). Collection method: curation. Allele origin: germline.
Comment: Synonymous substitution variant, with low bioinformatic likelihood to result in a splicing aberration (Splicing prior probability 0.02).

Color Diagnostics, LLC DBA Color Health
Classification: Likely benign for Hereditary cancer-predisposing syndrome. Last evaluated: 2025-09-05. Review status: criteria provided, single submitter. Criteria: ACMG Guidelines, 2015. Collection method: clinical testing. Allele origin: germline. Not counted in ClinVar's aggregate classification.

Blueprint Genetics
Classification: Likely benign. Last evaluated: 2024-09-03. Review status: criteria provided, single submitter. Criteria: ACMG Guidelines, 2015. Collection method: clinical testing. Allele origin: germline. Not counted in ClinVar's aggregate classification.

Labcorp Genetics (formerly Invitae), Labcorp
Classification: Likely benign for Hereditary breast ovarian cancer syndrome. Last evaluated: 2024-02-25. Review status: criteria provided, single submitter. Criteria: Invitae Variant Classification Sherloc (09022015). Collection method: clinical testing. Allele origin: germline. Not counted in ClinVar's aggregate classification.

Ambry Genetics
Classification: Likely benign for Hereditary cancer-predisposing syndrome. Last evaluated: 2019-09-14. Review status: criteria provided, single submitter. Criteria: Ambry Variant Classification Scheme 2023. Collection method: clinical testing. Allele origin: germline. Not counted in ClinVar's aggregate classification.

NM_000059.4(BRCA2):c.6909C>T (p.Ser2303=)

Gene: BRCA2 (BRCA2 DNA repair associated; plus strand). Cytogenetic location: 13q13.1.
Variant type: single nucleotide variant.
Coding change: c.6909C>T on transcript NM_000059.4 (MANE Select); coding-DNA position 6909, C replaced by T.
Protein change: p.Ser2303=; no amino-acid change (serine 2303 retained).
Molecular consequence: synonymous variant.
Genome position (GRCh38, 1-based): chr13:32,344,625, C>T. VCF-style: chr13-32344625-C-T. GRCh37 (hg19) VCF-style: chr13-32918762-C-T.
Identifiers: ClinVar variation 427385 (VCV000427385.18), dbSNP rs1131692116, ClinGen allele CA483275531.